The following is an entry in ClinVar:

NM_020944.3(GBA2):c.1882G>C (p.Val628Leu)

Gene: GBA2 (glucosylceramidase beta 2; minus strand). Cytogenetic location: 9p13.3.
Variant type: single nucleotide variant.
Coding change: c.1882G>C on transcript NM_020944.3 (MANE Select); coding-DNA position 1882, G replaced by C.
Protein change: p.Val628Leu; replaces valine 628 with leucine.
Molecular consequence: missense variant.
Genome position (GRCh38, 1-based): chr9:35,738,817, C>G on the plus strand (G>C on the coding strand, the complement: GBA2 is on the minus strand). VCF-style: chr9-35738817-C-G. GRCh37 (hg19) VCF-style: chr9-35738814-C-G.
Other names: c.1882G>C, p.Val628Leu (NM_001330660.2); short protein forms V628L.
Identifiers: ClinVar variation 957337 (VCV000957337.9), dbSNP rs371925764, ClinGen allele CA5050260.
Genomic context (GRCh38, chr9:35,738,817, plus strand): 5'-ACACAGGCCACATGTCCTTCAGGAAGTTTTGATCACCCGTGAGGTAATAGTCCCGATAAA[C>G]CTGCAGCACAAACTTCAGGTTCAGGTCCTTCCAATCAGCAGTATCATGGATTAAATATGC-3'
Protein context (NP_065995.1, residues 618-638): KDLNLKFVLQ[Val628Leu]YRDYYLTGDQ

ClinVar aggregate classification (germline): Uncertain significance (1 of 4 stars; one submission).

Conditions:
Spastic paraplegia. Identifiers: MedGen C0037772, HP:0001258.

Allele frequency attached by ClinVar (database versions not stated): ESP Exome Variant Server 0.00008.
gnomAD v4.1: 12 of 1,614,126 alleles (0.00074%); highest among the groups gnomAD compares: Non-Finnish European, 0.00093%; no homozygotes.

Submission:

Labcorp Genetics (formerly Invitae), Labcorp
Classification: Uncertain significance for Spastic paraplegia. Last evaluated: 2022-07-11. Review status: criteria provided, single submitter. Criteria: Invitae Variant Classification Sherloc (09022015). Collection method: clinical testing. Allele origin: germline.
Comment: This variant has not been reported in the literature in individuals affected with GBA2-related conditions. This variant is present in population databases (rs371925764, gnomAD 0.002%). This sequence change replaces valine, which is neutral and non-polar, with leucine, which is neutral and non-polar, at codon 628 of the GBA2 protein (p.Val628Leu). ClinVar contains an entry for this variant (Variation ID: 957337). In summary, the available evidence is currently insufficient to determine the role of this variant in disease. Therefore, it has been classified as a Variant of Uncertain Significance. Algorithms developed to predict the effect of sequence changes on RNA splicing suggest that this variant may disrupt the consensus splice site. Algorithms developed to predict the effect of missense changes on protein structure and function (SIFT, PolyPhen-2, Align-GVGD) all suggest that this variant is likely to be tolerated.